The following is an entry in ClinVar:

ClinVar aggregate classification (germline): Uncertain significance (1 of 4 stars; one submission).

Submission:

GeneDx
Classification: Uncertain significance. Last evaluated: 2023-06-11. Review status: criteria provided, single submitter. Criteria: GeneDx Variant Classification Process June 2021. Collection method: clinical testing. Allele origin: germline. Affected: yes.
Comment: Not observed at significant frequency in large population cohorts (gnomAD); In silico analysis supports that this missense variant has a deleterious effect on protein structure/function; Has not been previously published as pathogenic or benign to our knowledge; Variants in candidate genes are classified as variants of uncertain significance in accordance with ACMG guidelines (Richards et al., 2015)

NM_002063.4(GLRA2):c.754C>G (p.Arg252Gly)

Gene: GLRA2 (glycine receptor alpha 2; plus strand). Cytogenetic location: Xp22.2.
Variant type: single nucleotide variant.
Coding change: c.754C>G on transcript NM_002063.4 (MANE Select); coding-DNA position 754, C replaced by G.
Protein change: p.Arg252Gly; replaces arginine 252 with glycine.
Molecular consequence: missense variant.
Genome position (GRCh38, 1-based): chrX:14,609,029, C>G. VCF-style: chrX-14609029-C-G. GRCh37 (hg19) VCF-style: chrX-14627151-C-G.
Other names: c.754C>G, p.Arg252Gly (NM_001118885.2, NM_001118886.2); c.487C>G, p.Arg163Gly (NM_001171942.2); short protein forms R163G, R252G.
Identifiers: ClinVar variation 3766144 (VCV003766144.1).